The following is an entry in ClinVar:

NM_001099403.2(PRDM8):c.868GGC[8] (p.Gly292_Gly294dup)

Gene: PRDM8 (PR/SET domain 8; plus strand). Cytogenetic location: 4q21.21.
Variant type: Microsatellite.
Coding change: c.868GGC[8] on transcript NM_001099403.2 (MANE Select); eight copies in a row of the 3-base unit GGC starting at c.868; the reference has five copies in a row; three copies, 9 bases duplicated.
Protein change: p.Gly292_Gly294dup.
Molecular consequence: inframe insertion.
Genome position (GRCh38, 1-based): chr4:80,202,336-80,202,344, GGCGGCGGC duplicated; duplicating any 9 consecutive bases within chr4:80,202,328-80,202,344 gives the same sequence; the position shown is the placement nearest the transcript's 3' end. VCF-style (leftmost placement, unchanged base first): chr4-80202327-A-AGCGGCGGCG. GRCh37 (hg19) VCF-style: chr4-81123481-A-AGCGGCGGCG.
Other names: c.874_882dup (NM_020226.3); c.868GGC[8], p.Gly292_Gly294dup (NM_020226.4).
Identifiers: ClinVar variation 837168 (VCV000837168.9), dbSNP rs752636419, ClinGen allele CA916082647.

ClinVar aggregate classification (germline): Uncertain significance (1 of 4 stars; one submission).

Conditions:
Early-onset Lafora body disease. Also called: Epilepsy, progressive myoclonic, 10. Identifiers: Orphanet 324290, MedGen C4225258, MONDO:0014717, OMIM 616640.

Submission:

Labcorp Genetics (formerly Invitae), Labcorp
Classification: Uncertain significance for Early-onset Lafora body disease. Last evaluated: 2019-03-21. Review status: criteria provided, single submitter. Criteria: Invitae Variant Classification Sherloc (09022015). Collection method: clinical testing. Allele origin: germline.
Comment: Experimental studies and prediction algorithms are not available for this variant, and the functional significance of the affected amino acid(s) is currently unknown. This variant, c.874_882dup, results in the insertion of 3 amino acid(s) to the PRDM8 protein (p.Gly292_Gly294dup), but otherwise preserves the integrity of the reading frame. This variant is not present in population databases (ExAC no frequency). This variant has not been reported in the literature in individuals with PRDM8-related conditions. In summary, the available evidence is currently insufficient to determine the role of this variant in disease. Therefore, it has been classified as a Variant of Uncertain Significance.